The following is an entry in ClinVar:

ClinVar aggregate classification (germline): Conflicting classifications of pathogenicity. Review status: criteria provided, conflicting classifications (1 of 4 stars). 3 submissions from 3 submitters: Uncertain significance (1); Likely benign (2). Last evaluated 2025-10-01.

Allele frequency attached by ClinVar (database versions not stated): ExAC 0.00010; gnomAD exomes 0.00011 and 0.00027; ESP Exome Variant Server 0.00015; TOPMed 0.00015; gnomAD 0.00017; 1000 Genomes Project 0.00020; 1000 Genomes Project 30x 0.00031.

Submissions (3):

CeGaT Center for Human Genetics Tuebingen
Classification: Likely benign. Last evaluated: 2025-10-01. Review status: criteria provided, single submitter. Criteria: CeGaT Center For Human Genetics Tuebingen Variant Classification Criteria Version 2. Collection method: clinical testing. Allele origin: germline. Affected: yes. Observed: 1 variant allele.
Comment: ZNF335: BP4, BP7

Labcorp Genetics (formerly Invitae), Labcorp
Classification: Likely benign. Last evaluated: 2022-03-20. Review status: criteria provided, single submitter. Criteria: Invitae Variant Classification Sherloc (09022015). Collection method: clinical testing. Allele origin: germline.

Genetic Services Laboratory, University of Chicago
Classification: Uncertain significance. Last evaluated: 2014-10-27. Review status: criteria provided, single submitter. Criteria: ACMG Guidelines, 2015. Collection method: clinical testing. Allele origin: germline.

NM_022095.4(ZNF335):c.2961G>A (p.Gln987=)

Gene: ZNF335 (zinc finger protein 335; minus strand). Cytogenetic location: 20q13.12.
Variant type: single nucleotide variant.
Coding change: c.2961G>A on transcript NM_022095.4 (MANE Select); coding-DNA position 2961, G replaced by A.
Protein change: p.Gln987=; no amino-acid change (glutamine 987 retained).
Molecular consequence: synonymous variant.
Genome position (GRCh38, 1-based): chr20:45,952,375, C>T on the plus strand (G>A on the coding strand, the complement: ZNF335 is on the minus strand). VCF-style: chr20-45952375-C-T. GRCh37 (hg19) VCF-style: chr20-44581014-C-T.
Identifiers: ClinVar variation 212649 (VCV000212649.20), dbSNP rs181061162, ClinGen allele CA206480.